The following is an entry in ClinVar:

ClinVar aggregate classification (germline): Uncertain significance (1 of 4 stars; one submission).

Submission:

Ambry Genetics
Classification: Uncertain significance. Last evaluated: 2022-08-22. Review status: criteria provided, single submitter. Criteria: Ambry Variant Classification Scheme 2023. Collection method: clinical testing. Allele origin: germline.
Comment: The p.V1163A variant (also known as c.3488T>C), located in coding exon 16 of the POLQ gene, results from a T to C substitution at nucleotide position 3488. The valine at codon 1163 is replaced by alanine, an amino acid with similar properties. This amino acid position is conserved. In addition, this alteration is predicted to be tolerated by in silico analysis. Since supporting evidence is limited at this time, the clinical significance of this alteration remains unclear.

NM_199420.4(POLQ):c.3488T>C (p.Val1163Ala)

Gene: POLQ (DNA polymerase theta; minus strand). Cytogenetic location: 3q13.33.
Variant type: single nucleotide variant.
Coding change: c.3488T>C on transcript NM_199420.4 (MANE Select); coding-DNA position 3488, T replaced by C.
Protein change: p.Val1163Ala; replaces valine 1163 with alanine.
Molecular consequence: missense variant.
Genome position (GRCh38, 1-based): chr3:121,489,443, A>G on the plus strand (T>C on the coding strand, the complement: POLQ is on the minus strand). VCF-style: chr3-121489443-A-G. GRCh37 (hg19) VCF-style: chr3-121208290-A-G.
Other names: short protein forms V1163A.
Identifiers: ClinVar variation 1731897 (VCV001731897.2), dbSNP rs2546787331, ClinGen allele CA354099708.